The following is an entry in ClinVar:

NM_018406.7(MUC4):c.11994C>T (p.Ala3998=)

Gene: MUC4 (mucin 4, cell surface associated). Cytogenetic location: 3q29.
Variant type: single nucleotide variant.
Coding change: c.11994C>T on transcript NM_018406.7 (MANE Select); coding-DNA position 11994, C replaced by T.
Protein change: p.Ala3998=; no amino-acid change (alanine 3998 retained).
Molecular consequence: synonymous variant. On other transcripts: genic upstream transcript variant (2).
Genome position (GRCh38, 1-based): chr3:195,779,586, G>A on the plus strand (C>T on the coding strand, the complement: MUC4 is on the minus strand). VCF-style: chr3-195779586-G-A. GRCh37 (hg19) VCF-style: chr3-195506457-G-A.
Other names: c.17292C>T, p.Ala5764= (NM_001322468.1); c.83-5281C>T (NM_138297.5); c.83-1131C>T (NM_004532.6).
Identifiers: ClinVar variation 2654395 (VCV002654395.24), dbSNP rs1726256013, ClinGen allele CA438035402.

ClinVar aggregate classification (germline): Likely benign (1 of 4 stars; one submission).

Submission:

CeGaT Center for Human Genetics Tuebingen
Classification: Likely benign. Last evaluated: 2022-07-01. Review status: criteria provided, single submitter. Criteria: CeGaT Center For Human Genetics Tuebingen Variant Classification Criteria Version 2. Collection method: clinical testing. Allele origin: germline. Affected: yes. Observed: 1 variant allele.
Comment: MUC4: BP4, BP7